The following is an entry in ClinVar:

NM_005189.3(CBX2):c.126C>T (p.Ser42=)

Gene: CBX2 (chromobox 2; plus strand). Cytogenetic location: 17q25.3.
Variant type: single nucleotide variant.
Coding change: c.126C>T on transcript NM_005189.3 (MANE Select); coding-DNA position 126, C replaced by T.
Protein change: p.Ser42=; no amino-acid change (serine 42 retained).
Molecular consequence: synonymous variant.
Genome position (GRCh38, 1-based): chr17:79,779,371, C>T. VCF-style: chr17-79779371-C-T. GRCh37 (hg19) VCF-style: chr17-77753170-C-T.
Other names: c.126C>T, p.Ser42= (NM_032647.4); c.126C>T (NM_005189.2).
Identifiers: ClinVar variation 3630388 (VCV003630388.3).

ClinVar aggregate classification (germline): Benign/Likely benign. Review status: criteria provided, multiple submitters, no conflicts (2 of 4 stars). 2 submissions from 2 submitters: Benign (1); Likely benign (1). Last evaluated 2026-04-14.

Conditions:
CBX2-related disorder. Also called: CBX2-related condition.

gnomAD v4.1: 489 of 1,613,836 alleles (0.03%); highest among the groups gnomAD compares: African/African-American, 0.26%; 2 homozygotes.

Submissions (2):

PreventionGenetics, part of Exact Sciences
Classification: Likely benign for CBX2-related condition. Last evaluated: 2026-04-14. Review status: criteria provided, single submitter. Criteria: ACMG Guidelines, 2015. Collection method: clinical testing. Allele origin: germline.
Comment: This variant is classified as likely benign based on ACMG/AMP sequence variant interpretation guidelines (Richards et al. 2015 PMID: 25741868, with internal and published modifications).

Labcorp Genetics (formerly Invitae), Labcorp
Classification: Benign. Last evaluated: 2025-09-21. Review status: criteria provided, single submitter. Criteria: Invitae Variant Classification Sherloc (09022015). Collection method: clinical testing. Allele origin: germline.